The following is an entry in ClinVar:

ClinVar aggregate classification (germline): Uncertain significance (1 of 4 stars; one submission).

Conditions:
Bethlem myopathy 1A. Also called: Bethlem myopathy 1; Bethlem Muscular Dystrophy; MYOPATHY, BENIGN CONGENITAL, WITH CONTRACTURES. Identifiers: Orphanet 610, MedGen CN029274, MONDO:0024530, OMIM 158810.

gnomAD v4.1: 6 of 1,593,074 alleles (0.00038%); highest among the groups gnomAD compares: Admixed American, 0.0018%; no homozygotes.

Submission:

Labcorp Genetics (formerly Invitae), Labcorp
Classification: Uncertain significance for Bethlem myopathy 1A. Last evaluated: 2025-10-27. Review status: criteria provided, single submitter. Criteria: Invitae Variant Classification Sherloc (09022015). Collection method: clinical testing. Allele origin: germline.
Comment: This sequence change replaces arginine, which is basic and polar, with cysteine, which is neutral and slightly polar, at codon 722 of the COL6A1 protein (p.Arg722Cys). The frequency data for this variant in the population databases is considered unreliable, as metrics indicate poor data quality at this position in the gnomAD database. This variant has not been reported in the literature in individuals affected with COL6A1-related conditions. Invitae Evidence Modeling of protein sequence and biophysical properties (such as structural, functional, and spatial information, amino acid conservation, physicochemical variation, residue mobility, and thermodynamic stability) indicates that this missense variant is not expected to disrupt COL6A1 protein function with a negative predictive value of 95%. In summary, the available evidence is currently insufficient to determine the role of this variant in disease. Therefore, it has been classified as a Variant of Uncertain Significance.

NM_001848.3(COL6A1):c.2164C>T (p.Arg722Cys)

Gene: COL6A1 (collagen type VI alpha 1 chain; plus strand). Cytogenetic location: 21q22.3.
Variant type: single nucleotide variant.
Coding change: c.2164C>T on transcript NM_001848.3 (MANE Select); coding-DNA position 2164, C replaced by T.
Protein change: p.Arg722Cys; replaces arginine 722 with cysteine.
Molecular consequence: missense variant.
Genome position (GRCh38, 1-based): chr21:46,002,315, C>T. VCF-style: chr21-46002315-C-T. GRCh37 (hg19) VCF-style: chr21-47422229-C-T.
Other names: short protein forms R722C.
Identifiers: ClinVar variation 4775123 (VCV004775123.1).